The following is an entry in ClinVar:

NM_000521.4(HEXB):c.1124dup (p.Phe376fs)

Gene: HEXB (hexosaminidase subunit beta; plus strand). Cytogenetic location: 5q13.3.
Variant type: Duplication.
Coding change: c.1124dup on transcript NM_000521.4 (MANE Select); coding-DNA position 1124, one base duplicated (G; older notation c.1124dupG).
Protein change: p.Phe376fs; shifts the reading frame from phenylalanine 376.
Molecular consequence: frameshift variant.
Genome position (GRCh38, 1-based): chr5:74,716,628, G duplicated; the last of 2 consecutive G bases (chr5:74,716,627-74,716,628); duplicating either gives the same sequence. VCF-style (leftmost placement, unchanged base first): chr5-74716626-A-AG. GRCh37 (hg19) VCF-style: chr5-74012451-A-AG.
Other names: c.449dup, p.Phe151fs (NM_001292004.2); short protein forms F151fs, F376fs.
Identifiers: ClinVar variation 5011832 (VCV005011832.1).

ClinVar aggregate classification (germline): Pathogenic (1 of 4 stars; one submission).

Conditions:
Sandhoff disease. Also called: GM2-GANGLIOSIDOSIS, TYPE II; HEXOSAMINIDASES A AND B DEFICIENCY; Beta-hexosaminidase-beta-subunit deficiency; GM2 gangliosidosis, type 2; Total hexosaminidase deficiency; Sandhoff-Jatzkewitz-Pilz disease. Identifiers: Orphanet 796, MedGen C0036161, MONDO:0010006, OMIM 268800.

Submission:

Myriad Genetics, Inc.
Classification: Pathogenic for Sandhoff disease. Last evaluated: 2023-09-27. Review status: criteria provided, single submitter. Criteria: Myriad Autosomal Dominant, Autosomal Recessive and X-Linked Classification Criteria (2023). Collection method: clinical testing. Allele origin: unknown.
Comment: NM_000521.3(HEXB):c.1124dupG(F376Lfs*6) is expected to be pathogenic in the context of Sandhoff disease. This variant is predicted to lead to an abnormal or absent protein product due to the creation of a premature termination codon in HEXB, a gene where loss-of-function variants are known to be pathogenic. Please note: this variant was assessed in the context of healthy population screening.